The following is an entry in ClinVar:

ClinVar aggregate classification (germline): Uncertain significance (1 of 4 stars; one submission).

Conditions:
Familial melanoma. Also called: Hereditary melanoma; Hereditary cutaneous melanoma. Identifiers: Orphanet 618, MedGen C1512419, MONDO:0018961.

Submission:

Labcorp Genetics (formerly Invitae), Labcorp
Classification: Uncertain significance for Familial melanoma. Last evaluated: 2019-10-19. Review status: criteria provided, single submitter. Criteria: Invitae Variant Classification Sherloc (09022015). Collection method: clinical testing. Allele origin: germline.
Comment: The CDKN2A gene encodes two different proteins, p16INK4a and p14ARF, which are translated from alternative transcripts that have different open reading frames. A copy number gain of the genomic region of the CDKN2A gene encompassing the full coding sequence of the CDKN2A (p16INK4a)¬†and CDKN2A (p14ARF) transcripts has been identified. The boundaries of this event are unknown as they extend beyond the assayed region for this gene and therefore may encompass additional genes. As the precise location of this copy number gain is unknown, it may be in tandem or it may be located elsewhere in the genome. This variant has not been reported in the literature in individuals with CDKN2A-related disease. In summary, the available evidence is currently insufficient to determine the role of this variant in disease. Therefore, it has been classified as a Variant of Uncertain Significance.

NC_000009.11:g.(?_21968222)_(21994330_?)dup

Genes: CDKN2A (cyclin dependent kinase inhibitor 2A; minus strand), LOC130001603 (ATAC-STARR-seq lymphoblastoid silent region 19811; plus strand), LOC130001604 (ATAC-STARR-seq lymphoblastoid silent region 19812; plus strand), LOC130001605 (ATAC-STARR-seq lymphoblastoid active region 28244; plus strand). Cytogenetic location: 9p21.3.
Variant type: Duplication.
Identifiers: ClinVar variation 532305 (VCV000532305.5).